The following is an entry in ClinVar:

NM_000293.3(PHKB):c.1544T>C (p.Ile515Thr)

Gene: PHKB (phosphorylase kinase regulatory subunit beta; plus strand). Cytogenetic location: 16q12.1.
Variant type: single nucleotide variant.
Coding change: c.1544T>C on transcript NM_000293.3 (MANE Select); coding-DNA position 1544, T replaced by C.
Protein change: p.Ile515Thr; replaces isoleucine 515 with threonine.
Molecular consequence: missense variant.
Genome position (GRCh38, 1-based): chr16:47,641,628, T>C. VCF-style: chr16-47641628-T-C. GRCh37 (hg19) VCF-style: chr16-47675539-T-C.
Other names: c.1523T>C, p.Ile508Thr (NM_001031835.3); c.1544T>C, p.Ile515Thr (NM_001363837.1); c.1544T>C (NM_000293.2); short protein forms I515T, I508T.
Identifiers: ClinVar variation 1412029 (VCV001412029.32), dbSNP rs141224055, ClinGen allele CA8040877.

ClinVar aggregate classification (germline): Uncertain significance. Review status: criteria provided, multiple submitters, no conflicts (2 of 4 stars). 3 submissions from 3 submitters: Uncertain significance (3). Last evaluated 2025-09-25.

Conditions:
Glycogen storage disease IXb (GSD9B). Also called: GLYCOGENOSIS OF LIVER AND MUSCLE, AUTOSOMAL RECESSIVE; GSD IXb; PHOSPHORYLASE KINASE DEFICIENCY OF LIVER AND MUSCLE, AUTOSOMAL RECESSIVE. Identifiers: Orphanet 79240, MedGen C0543514, MONDO:0009868, OMIM 261750.
Inborn genetic diseases. Identifiers: MedGen C0950123, MeSH D030342.

Allele frequency attached by ClinVar (database versions not stated): ExAC 0.00002; gnomAD exomes 0.00002 and 0.00006; TOPMed 0.00005; gnomAD 0.00006; ESP Exome Variant Server 0.00008.
gnomAD v4.1: 98 of 1,603,444 alleles (0.0061%); highest among the groups gnomAD compares: Non-Finnish European, 0.0075%; no homozygotes.

Submissions (3):

Ambry Genetics
Classification: Uncertain significance for Inborn genetic diseases. Last evaluated: 2025-09-25. Review status: criteria provided, single submitter. Criteria: Ambry Variant Classification Scheme 2023. Collection method: clinical testing. Allele origin: germline.

CeGaT Center for Human Genetics Tuebingen
Classification: Uncertain significance. Last evaluated: 2023-01-01. Review status: criteria provided, single submitter. Criteria: CeGaT Center For Human Genetics Tuebingen Variant Classification Criteria Version 2. Collection method: clinical testing. Allele origin: germline. Affected: yes. Observed: 1 variant allele.
Comment: PHKB: PM2, PP3

Labcorp Genetics (formerly Invitae), Labcorp
Classification: Uncertain significance for Glycogen storage disease IXb. Last evaluated: 2022-08-17. Review status: criteria provided, single submitter. Criteria: Invitae Variant Classification Sherloc (09022015). Collection method: clinical testing. Allele origin: germline.
Comment: This sequence change replaces isoleucine, which is neutral and non-polar, with threonine, which is neutral and polar, at codon 515 of the PHKB protein (p.Ile515Thr). This variant is present in population databases (rs141224055, gnomAD 0.007%). This variant has not been reported in the literature in individuals affected with PHKB-related conditions. ClinVar contains an entry for this variant (Variation ID: 1412029). Algorithms developed to predict the effect of missense changes on protein structure and function (SIFT, PolyPhen-2, Align-GVGD) all suggest that this variant is likely to be disruptive. In summary, the available evidence is currently insufficient to determine the role of this variant in disease. Therefore, it has been classified as a Variant of Uncertain Significance.